The following is an entry in ClinVar:

Single allele

Variant type: Deletion.
Identifiers: ClinVar variation 157433 (VCV000157433.2).

ClinVar aggregate classification (germline): not provided (0 of 4 stars; one submission).

Conditions:
Small for gestational age. Also called: Low birth weight. Identifiers: MedGen C0235991, HP:0001518.

Submission:

Institute of Molecular and Cell Biology, University of Tartu
No classification provided. Condition: Small for gestational age. Review status: no classification provided. Collection method: case-control. Allele origin: unknown. Affected: yes. Study: Kasak2014.
Comment: The study aimed to determine the contribution of copy number variants in the genetic etiology of normal and complicated pregnancies. The samples represented (i) maternal blood DNA drawn from healthy pregnant women during 1st or 2nd trimester and (ii) maternal and paternal blood DNA drawn at term pregnancy cases representing normal and complicated gestations (severe preeclampsia, PE; gestational diabetes, GD; small-for-gestational age newborn, SGA; large-for-gestational age newborn, LGA). We performed CNV calling based on genome-wide genotyping dataset (Illumina HumanOmniExpress-24-v1 BeadChip) by applying three algorithms, QuantiSNP, GADA (Genome Alteration Detection Algorithm) and CNstream in parallel. The acquired CNV calls were merged with HD-CNV (Hotspot Detector for Copy Number Variants) program and only the CNVs predicted by at least two programs, were considered in subsequent analysis.

Literature cited by the submitters: PubMed 25666259.